The following is an entry in ClinVar:

NM_000059.4(BRCA2):c.247G>T (p.Glu83Ter)

Gene: BRCA2 (BRCA2 DNA repair associated; plus strand). Cytogenetic location: 13q13.1.
Variant type: single nucleotide variant.
Coding change: c.247G>T on transcript NM_000059.4 (MANE Select); coding-DNA position 247, G replaced by T.
Protein change: p.Glu83Ter; replaces glutamic acid 83 with a stop codon.
Molecular consequence: nonsense.
Genome position (GRCh38, 1-based): chr13:32,319,256, G>T. VCF-style: chr13-32319256-G-T. GRCh37 (hg19) VCF-style: chr13-32893393-G-T.
Other names: 475G>T (E83X); short protein forms E83*.
Identifiers: ClinVar variation 266701 (VCV000266701.20), dbSNP rs886040428, ClinGen allele CA10589016.

ClinVar aggregate classification (germline): Pathogenic. Review status: reviewed by expert panel (3 of 4 stars). 5 submissions from 5 submitters: Pathogenic (1). 4 of the submissions do not count toward it. Last evaluated 2016-10-18.

Conditions:
Hereditary cancer-predisposing syndrome. Also called: Tumor predisposition; Neoplastic Syndromes, Hereditary; Hereditary neoplastic syndrome; Hereditary Cancer Syndrome. Identifiers: Orphanet 140162, MedGen C0027672, MeSH D009386, MONDO:0015356.
Hereditary breast ovarian cancer syndrome. Also called: Hereditary breast and ovarian cancer; Hereditary breast and ovarian cancer syndrome (HBOC); Hereditary breast and/or ovarian cancer syndrome; Breast and ovarian cancer; Hereditary breast and ovarian cancer syndrome; BRCA1- and BRCA2-Associated Hereditary Breast and Ovarian Cancer. Identifiers: Orphanet 145, MedGen C0677776, MeSH D061325, MONDO:0003582. Disease mechanism: loss of function.
Breast-ovarian cancer, familial, susceptibility to, 2 (BROVCA2). Also called: BRCA2 Hereditary Breast and Ovarian Cancer. Identifiers: Orphanet 145, MedGen C2675520, MONDO:0012933, OMIM 612555. Disease mechanism: loss of function.

Submissions (5):

Evidence-based Network for the Interpretation of Germline Mutant Alleles (ENIGMA)
Classification: Pathogenic for Breast-ovarian cancer, familial, susceptibility to, 2. Last evaluated: 2016-10-18. Review status: reviewed by expert panel. Criteria: ENIGMA BRCA1/2 Classification Criteria (2015). Collection method: curation. Allele origin: germline.
Comment: Variant allele predicted to encode a truncated non-functional protein.

Labcorp Genetics (formerly Invitae), Labcorp
Classification: Pathogenic for Hereditary breast ovarian cancer syndrome. Last evaluated: 2020-08-14. Review status: criteria provided, single submitter. Criteria: Invitae Variant Classification Sherloc (09022015). Collection method: clinical testing. Allele origin: germline. Not counted in ClinVar's aggregate classification.
Comment: This sequence change creates a premature translational stop signal (p.Glu83*) in the BRCA2 gene. It is expected to result in an absent or disrupted protein product. This variant is not present in population databases (ExAC no frequency). This variant has been observed in individual(s) with a personal and/or family history of breast or ovarian cancer (PMID: 29446198). ClinVar contains an entry for this variant (Variation ID: 266701). Loss-of-function variants in BRCA2 are known to be pathogenic (PMID: 20104584). For these reasons, this variant has been classified as Pathogenic.

Color Diagnostics, LLC DBA Color Health
Classification: Pathogenic for Hereditary cancer-predisposing syndrome. Last evaluated: 2020-01-15. Review status: criteria provided, single submitter. Criteria: ACMG Guidelines, 2015. Collection method: clinical testing. Allele origin: germline. Not counted in ClinVar's aggregate classification.
Comment: This variant changes 1 nucleotide in exon 3 of the BRCA2 gene, creating a premature translation stop signal. This variant is expected to result in an absent or non-functional protein product. This variant has not been identified in the general population by the Genome Aggregation Database (gnomAD). Loss of BRCA2 function is a known mechanism of disease. Based on the available evidence, this variant is classified as Pathogenic.

Ambry Genetics
Classification: Pathogenic for Hereditary cancer-predisposing syndrome. Last evaluated: 2019-10-30. Review status: criteria provided, single submitter. Criteria: Ambry Variant Classification Scheme 2023. Collection method: clinical testing. Allele origin: germline. Not counted in ClinVar's aggregate classification.
Comment: The p.E83* pathogenic mutation (also known as c.247G>T), located in coding exon 2 of the BRCA2 gene, results from a G to T substitution at nucleotide position 247. This changes the amino acid from a glutamic acid to a stop codon within coding exon 2. This alteration was identified in a large, worldwide study of BRCA1/2 mutation positive families (Rebbeck TR et al. Hum. Mutat., 2018 05;39:593-620). In addition to the clinical data presented in the literature, this alteration is expected to result in loss of function by premature protein truncation or nonsense-mediated mRNA decay. As such, this alteration is interpreted as a disease-causing mutation.

Consortium of Investigators of Modifiers of BRCA1/2 (CIMBA), c/o University of Cambridge
Classification: Pathogenic for Breast-ovarian cancer, familial, susceptibility to, 2. Last evaluated: 2015-10-02. Review status: criteria provided, single submitter. Criteria: CIMBA Mutation Classification guidelines May 2016. Collection method: clinical testing. Allele origin: germline. Not counted in ClinVar's aggregate classification.

Literature cited by the submitters: PubMed 29446198 (cited by Labcorp Genetics (formerly Invitae), Labcorp and Ambry Genetics); PubMed 20104584 (cited by Labcorp Genetics (formerly Invitae), Labcorp).